The following is an entry in ClinVar:

NM_016151.4(TAOK2):c.1388G>C (p.Arg463Pro)

Gene: TAOK2 (TAO kinase 2; plus strand). Cytogenetic location: 16p11.2.
Variant type: single nucleotide variant.
Coding change: c.1388G>C on transcript NM_016151.4 (MANE Select); coding-DNA position 1388, G replaced by C.
Protein change: p.Arg463Pro; replaces arginine 463 with proline.
Molecular consequence: missense variant.
Genome position (GRCh38, 1-based): chr16:29,983,630, G>C. VCF-style: chr16-29983630-G-C. GRCh37 (hg19) VCF-style: chr16-29994951-G-C.
Other names: c.1388G>C, p.Arg463Pro (NM_001252043.2, NM_004783.4); short protein forms R463P.
Identifiers: ClinVar variation 3728323 (VCV003728323.2).
Genomic context (GRCh38, chr16:29,983,630, plus strand): 5'-CAGCCCCAGCTCCCACTTCCACCACCTCTTCCGCCCGCCGCCGGGCCTACTGCCGTAACC[G>C]AGACCACTTTGCCACCATCCGAACCGCCTCCCTGGTGAGTGTAGCCATCCTCACTCAGCC-3'
Protein context (NP_057235.2, residues 453-473): SARRRAYCRN[Arg463Pro]DHFATIRTAS

ClinVar aggregate classification (germline): Uncertain significance (1 of 4 stars; one submission).

gnomAD v4.1: 1 of 1,613,160 alleles (0.000062%); highest among the groups gnomAD compares: Non-Finnish European, 0.000085%; no homozygotes.

Submission:

Labcorp Genetics (formerly Invitae), Labcorp
Classification: Uncertain significance. Last evaluated: 2024-12-31. Review status: criteria provided, single submitter. Criteria: Invitae Variant Classification Sherloc (09022015). Collection method: clinical testing. Allele origin: germline.
Comment: This sequence change replaces arginine, which is basic and polar, with proline, which is neutral and non-polar, at codon 463 of the TAOK2 protein (p.Arg463Pro). This variant is not present in population databases (gnomAD no frequency). This variant has not been reported in the literature in individuals affected with TAOK2-related conditions. An algorithm developed to predict the effect of missense changes on protein structure and function (PolyPhen-2) suggests that this variant is likely to be disruptive. In summary, the available evidence is currently insufficient to determine the role of this variant in disease. Therefore, it has been classified as a Variant of Uncertain Significance.